The following is an entry in ClinVar:

NM_000111.3(SLC26A3):c.1922T>A (p.Val641Asp)

Gene: SLC26A3 (solute carrier family 26 member 3; minus strand). Cytogenetic location: 7q22.3.
Variant type: single nucleotide variant.
Coding change: c.1922T>A on transcript NM_000111.3 (MANE Select); coding-DNA position 1922, T replaced by A.
Protein change: p.Val641Asp; replaces valine 641 with aspartic acid.
Molecular consequence: missense variant.
Genome position (GRCh38, 1-based): chr7:107,774,005, A>T on the plus strand (T>A on the coding strand, the complement: SLC26A3 is on the minus strand). VCF-style: chr7-107774005-A-T. GRCh37 (hg19) VCF-style: chr7-107414450-A-T.
Other names: short protein forms V641D.
Identifiers: ClinVar variation 1484310 (VCV001484310.8), dbSNP rs2115812270, ClinGen allele CA368850146.

ClinVar aggregate classification (germline): Uncertain significance (1 of 4 stars; one submission).

Allele frequency attached by ClinVar (database versions not stated): gnomAD exomes below 0.00001.

Submission:

Labcorp Genetics (formerly Invitae), Labcorp
Classification: Uncertain significance. Last evaluated: 2022-08-10. Review status: criteria provided, single submitter. Criteria: Invitae Variant Classification Sherloc (09022015). Collection method: clinical testing. Allele origin: germline.
Comment: In summary, the available evidence is currently insufficient to determine the role of this variant in disease. Therefore, it has been classified as a Variant of Uncertain Significance. Algorithms developed to predict the effect of sequence changes on RNA splicing suggest that this variant may disrupt the consensus splice site. Algorithms developed to predict the effect of missense changes on protein structure and function are either unavailable or do not agree on the potential impact of this missense change (SIFT: "Deleterious"; PolyPhen-2: "Probably Damaging"; Align-GVGD: "Class C0"). ClinVar contains an entry for this variant (Variation ID: 1484310). This variant has not been reported in the literature in individuals affected with SLC26A3-related conditions. This variant is not present in population databases (gnomAD no frequency). This sequence change replaces valine, which is neutral and non-polar, with aspartic acid, which is acidic and polar, at codon 641 of the SLC26A3 protein (p.Val641Asp).